The following is an entry in ClinVar:

NM_001458.5(FLNC):c.4275dup (p.Arg1426fs)

Gene: FLNC (filamin C; plus strand). Cytogenetic location: 7q32.1.
Variant type: Duplication.
Coding change: c.4275dup on transcript NM_001458.5 (MANE Select); coding-DNA position 4275, one base duplicated (G; older notation c.4275dupG).
Protein change: p.Arg1426fs; shifts the reading frame from arginine 1426.
Molecular consequence: frameshift variant.
Genome position (GRCh38, 1-based): chr7:128,846,892, G duplicated; the last of 6 consecutive G bases (chr7:128,846,887-128,846,892); duplicating any one gives the same sequence. VCF-style (leftmost placement, unchanged base first): chr7-128846886-C-CG. GRCh37 (hg19) VCF-style: chr7-128486940-C-CG.
Other names: c.4275dup, p.Arg1426fs (NM_001127487.2); short protein forms R1426fs.
Identifiers: ClinVar variation 1075295 (VCV001075295.7), dbSNP rs756985550, ClinGen allele CA4475277.
Genomic context (GRCh38, chr7:128,846,886, plus strand): 5'-TAGCTGCACCGTGGAGTACATCCCCTTCACTCCTGGAGACTATGACGTCAACATCACCTT[C>CG]GGGGGGCGGCCCATCCCAGGTGTGCAGAGAGAGTGGTCGGGGTCTCAGGGAAGACAAGGG-3'

ClinVar aggregate classification (germline): Pathogenic (1 of 4 stars; one submission).

Conditions:
Myofibrillar myopathy 5. Also called: Filaminopathy (type); FILAMINOPATHY, AUTOSOMAL DOMINANT. Identifiers: Orphanet 171445, MedGen C1836050, MONDO:0012289, OMIM 609524.
Distal myopathy with posterior leg and anterior hand involvement. Also called: WILLIAMS DISTAL MYOPATHY. Identifiers: Orphanet 63273, MedGen C3279722, MONDO:0013550, OMIM 614065.
Hypertrophic cardiomyopathy 26. Also called: Cardiomyopathy, familial hypertrophic, 26. Identifiers: Orphanet 75249, MedGen C4310749, MONDO:0014883, OMIM 617047.

Submission:

Labcorp Genetics (formerly Invitae), Labcorp
Classification: Pathogenic for Distal myopathy with posterior leg and anterior hand involvement; Myofibrillar myopathy 5; Hypertrophic cardiomyopathy 26. Last evaluated: 2024-12-12. Review status: criteria provided, single submitter. Criteria: Invitae Variant Classification Sherloc (09022015). Collection method: clinical testing. Allele origin: germline.
Comment: This sequence change creates a premature translational stop signal (p.Arg1426Alafs*85) in the FLNC gene. It is expected to result in an absent or disrupted protein product. Loss-of-function variants in FLNC are known to be pathogenic (PMID: 27908349). This variant is not present in population databases (gnomAD no frequency). This variant has not been reported in the literature in individuals affected with FLNC-related conditions. ClinVar contains an entry for this variant (Variation ID: 1075295). For these reasons, this variant has been classified as Pathogenic.

Literature cited by the submitters: PubMed 27908349.